The following is an entry in ClinVar:

NM_004380.3(CREBBP):c.5922G>A (p.Arg1974=)

Gene: CREBBP (CREB binding lysine acetyltransferase; minus strand). Cytogenetic location: 16p13.3.
Variant type: single nucleotide variant.
Coding change: c.5922G>A on transcript NM_004380.3 (MANE Select); coding-DNA position 5922, G replaced by A.
Protein change: p.Arg1974=; no amino-acid change (arginine 1974 retained).
Molecular consequence: synonymous variant.
Genome position (GRCh38, 1-based): chr16:3,729,125, C>T on the plus strand (G>A on the coding strand, the complement: CREBBP is on the minus strand). VCF-style: chr16-3729125-C-T. GRCh37 (hg19) VCF-style: chr16-3779126-C-T.
Other names: c.5808G>A, p.Arg1936= (NM_001079846.1).
Identifiers: ClinVar variation 748029 (VCV000748029.13), dbSNP rs202099897, ClinGen allele CA7869226.

ClinVar aggregate classification (germline): Likely benign. Review status: criteria provided, multiple submitters, no conflicts (2 of 4 stars). 4 submissions from 4 submitters: Likely benign (3). 1 of the submissions does not count toward it. Last evaluated 2025-10-27.

Conditions:
Inborn genetic diseases. Identifiers: MedGen C0950123, MeSH D030342.
CREBBP-related disorder. Also called: CREBBP-related disorders; CREBBP-related condition.
Rubinstein-Taybi syndrome (RSTS). Identifiers: Orphanet 783, MedGen C0035934, MONDO:0019188.

Allele frequency attached by ClinVar (database versions not stated): TOPMed 0.00004; ExAC 0.00005; gnomAD exomes 0.00006; gnomAD 0.00007.
gnomAD v4.1: 81 of 1,576,738 alleles (0.0051%); highest among the groups gnomAD compares: Non-Finnish European, 0.0036%; no homozygotes.

Submissions (4):

Labcorp Genetics (formerly Invitae), Labcorp
Classification: Likely benign for Rubinstein-Taybi syndrome. Last evaluated: 2025-10-27. Review status: criteria provided, single submitter. Criteria: Invitae Variant Classification Sherloc (09022015). Collection method: clinical testing. Allele origin: germline.

Blueprint Genetics
Classification: Likely benign. Last evaluated: 2024-01-23. Review status: criteria provided, single submitter. Criteria: ACMG Guidelines, 2015. Collection method: clinical testing. Allele origin: germline.

Ambry Genetics
Classification: Likely benign for Inborn genetic diseases. Last evaluated: 2019-09-02. Review status: criteria provided, single submitter. Criteria: Ambry Variant Classification Scheme 2023. Collection method: clinical testing. Allele origin: germline.

PreventionGenetics, part of Exact Sciences
Classification: Likely benign for CREBBP-related condition. Last evaluated: 2021-11-23. Review status: no assertion criteria provided. Collection method: clinical testing. Allele origin: germline. Not counted in ClinVar's aggregate classification.
Comment: This variant is classified as likely benign based on ACMG/AMP sequence variant interpretation guidelines (Richards et al. 2015 PMID: 25741868, with internal and published modifications).